The following is an entry in ClinVar:

NM_022089.4(ATP13A2):c.44G>C (p.Gly15Ala)

Gene: ATP13A2 (ATPase cation transporting 13A2; minus strand). Cytogenetic location: 1p36.13.
Variant type: single nucleotide variant.
Coding change: c.44G>C on transcript NM_022089.4 (MANE Select); coding-DNA position 44, G replaced by C.
Protein change: p.Gly15Ala; replaces glycine 15 with alanine.
Molecular consequence: missense variant.
Genome position (GRCh38, 1-based): chr1:17,005,745, C>G on the plus strand (G>C on the coding strand, the complement: ATP13A2 is on the minus strand). VCF-style: chr1-17005745-C-G. GRCh37 (hg19) VCF-style: chr1-17332240-C-G.
Other names: c.44G>C, p.Gly15Ala (NM_001141973.3, NM_001141974.3); c.44G>C (NM_022089.2); short protein forms G15A.
Identifiers: ClinVar variation 1486724 (VCV001486724.7), dbSNP rs1287774416, ClinGen allele CA338265601.

ClinVar aggregate classification (germline): Uncertain significance. Review status: criteria provided, multiple submitters, no conflicts (2 of 4 stars). 2 submissions from 2 submitters: Uncertain significance (2). Last evaluated 2025-11-12.

Conditions:
Kufor-Rakeb syndrome (KRS). Also called: PARKINSON DISEASE 9, AUTOSOMAL RECESSIVE, JUVENILE-ONSET. Identifiers: Orphanet 306674, Orphanet 314632, MedGen C1847640, MONDO:0011706, OMIM 606693.
Autosomal recessive spastic paraplegia type 78. Identifiers: Orphanet 513436, MedGen C5567893, MONDO:0014975, OMIM 617225.
Inborn genetic diseases. Identifiers: MedGen C0950123, MeSH D030342.

Allele frequency attached by ClinVar (database versions not stated): gnomAD exomes below 0.00001.
gnomAD v4.1: 1 of 1,613,022 alleles (0.000062%); highest among the groups gnomAD compares: Admixed American, 0.0017%; no homozygotes.

Submissions (2):

Ambry Genetics
Classification: Uncertain significance for Inborn genetic diseases. Last evaluated: 2025-11-12. Review status: criteria provided, single submitter. Criteria: Ambry Variant Classification Scheme 2023. Collection method: clinical testing. Allele origin: germline.

Labcorp Genetics (formerly Invitae), Labcorp
Classification: Uncertain significance for Kufor-Rakeb syndrome; Autosomal recessive spastic paraplegia type 78. Last evaluated: 2024-10-24. Review status: criteria provided, single submitter. Criteria: Invitae Variant Classification Sherloc (09022015). Collection method: clinical testing. Allele origin: germline.
Comment: This sequence change replaces glycine, which is neutral and non-polar, with alanine, which is neutral and non-polar, at codon 15 of the ATP13A2 protein (p.Gly15Ala). This variant is present in population databases (no rsID available, gnomAD 0.003%). This variant has not been reported in the literature in individuals affected with ATP13A2-related conditions. ClinVar contains an entry for this variant (Variation ID: 1486724). Invitae Evidence Modeling of protein sequence and biophysical properties (such as structural, functional, and spatial information, amino acid conservation, physicochemical variation, residue mobility, and thermodynamic stability) indicates that this missense variant is not expected to disrupt ATP13A2 protein function with a negative predictive value of 95%. In summary, the available evidence is currently insufficient to determine the role of this variant in disease. Therefore, it has been classified as a Variant of Uncertain Significance.